The following is an entry in ClinVar:

ClinVar aggregate classification (germline): Likely pathogenic (1 of 4 stars; one submission).

Conditions:
Sclerosteosis 2 (SOST2). Identifiers: Orphanet 3152, MedGen C3280402, MONDO:0013679, OMIM 614305.
Congenital myasthenic syndrome 17. Identifiers: Orphanet 590, MedGen C4225377, MONDO:0014578, OMIM 616304.
Cenani-Lenz syndactyly syndrome. Also called: SYNDACTYLY, TYPE VII; CENANI SYNDACTYLISM. Identifiers: Orphanet 3258, MedGen C1859309, MONDO:0008931, OMIM 212780.

Submission:

Fulgent Genetics
Classification: Likely pathogenic for Cenani-Lenz syndactyly syndrome; Sclerosteosis 2; Congenital myasthenic syndrome 17. Last evaluated: 2021-06-30. Review status: criteria provided, single submitter. Criteria: ACMG Guidelines, 2015. Collection method: clinical testing. Allele origin: unknown.
Comment: This variant has been detected in individual(s) who were sent for testing of Renasight - kidney gene panel.

NM_002334.4(LRP4):c.1560G>A (p.Trp520Ter)

Gene: LRP4 (LDL receptor related protein 4; minus strand). Cytogenetic location: 11p11.2.
Variant type: single nucleotide variant.
Coding change: c.1560G>A on transcript NM_002334.4 (MANE Select); coding-DNA position 1560, G replaced by A.
Protein change: p.Trp520Ter; replaces tryptophan 520 with a stop codon.
Molecular consequence: nonsense.
Genome position (GRCh38, 1-based): chr11:46,893,110, C>T on the plus strand (G>A on the coding strand, the complement: LRP4 is on the minus strand). VCF-style: chr11-46893110-C-T. GRCh37 (hg19) VCF-style: chr11-46914661-C-T.
Other names: short protein forms W520*.
Identifiers: ClinVar variation 1179057 (VCV001179057.2), dbSNP rs1479002757, ClinGen allele CA380284664.